The following is an entry in ClinVar:

ClinVar aggregate classification (germline): Likely benign (0 of 4 stars; one submission).

Conditions:
HRG-related disorder. Also called: HRG-related condition.

Allele frequency attached by ClinVar (database versions not stated): ExAC 0.00026; 1000 Genomes Project 30x 0.00062; 1000 Genomes Project 0.00080; ESP Exome Variant Server 0.00085; TOPMed 0.00106.
gnomAD v4.1: 281 of 1,614,144 alleles (0.017%); highest among the groups gnomAD compares: African/African-American, 0.28%; 1 homozygote.

Submission:

PreventionGenetics, part of Exact Sciences
Classification: Likely benign for HRG-related condition. Last evaluated: 2019-06-06. Review status: no assertion criteria provided. Collection method: clinical testing. Allele origin: germline.
Comment: This variant is classified as likely benign based on ACMG/AMP sequence variant interpretation guidelines (Richards et al. 2015 PMID: 25741868, with internal and published modifications).

NM_000412.5(HRG):c.1497A>G (p.Ser499=)

Gene: HRG (histidine rich glycoprotein; plus strand). Cytogenetic location: 3q27.3.
Variant type: single nucleotide variant.
Coding change: c.1497A>G on transcript NM_000412.5 (MANE Select); coding-DNA position 1497, A replaced by G.
Protein change: p.Ser499=; no amino-acid change (serine 499 retained).
Molecular consequence: synonymous variant.
Genome position (GRCh38, 1-based): chr3:186,677,802, A>G. VCF-style: chr3-186677802-A-G. GRCh37 (hg19) VCF-style: chr3-186395591-A-G.
Identifiers: ClinVar variation 3043894 (VCV003043894.2), dbSNP rs146265787, ClinGen allele CA2745952.